The following is an entry in ClinVar:

ClinVar aggregate classification (germline): Uncertain significance (1 of 4 stars; one submission).

Conditions:
Immunodeficiency. Identifiers: MedGen C0021051, MONDO:0021094, HP:0002721.

Allele frequency attached by ClinVar (database versions not stated): gnomAD exomes below 0.00001.
gnomAD v4.1: 1 of 1,593,188 alleles (0.000063%); highest among the groups gnomAD compares: African/African-American, 0.0013%; no homozygotes.

Submission:

Labcorp Genetics (formerly Invitae), Labcorp
Classification: Uncertain significance for Immunodeficiency. Last evaluated: 2019-03-02. Review status: criteria provided, single submitter. Criteria: Invitae Variant Classification Sherloc (09022015). Collection method: clinical testing. Allele origin: germline.
Comment: In summary, the available evidence is currently insufficient to determine the role of this variant in disease. Therefore, it has been classified as a Variant of Uncertain Significance. Nucleotide substitutions within the consensus splice site are a relatively common cause of aberrant splicing (PMID: 17576681, 9536098). Algorithms developed to predict the effect of sequence changes on RNA splicing suggest that this variant is not likely to affect RNA splicing, but this prediction has not been confirmed by published transcriptional studies. This variant has not been reported in the literature in individuals with NFAT5-related disease. This variant is not present in population databases (ExAC no frequency). This sequence change falls in intron 11 of the NFAT5 gene. It does not directly change the encoded amino acid sequence of the NFAT5 protein, but it affects a nucleotide within the consensus splice site of the intron.

Literature cited by the submitters: PubMed 17576681; PubMed 9536098.

NM_138713.4(NFAT5):c.1691-3T>C

Gene: NFAT5 (nuclear factor of activated T cells 5; plus strand). Cytogenetic location: 16q22.1.
Variant type: single nucleotide variant.
Coding change: c.1691-3T>C on transcript NM_138713.4 (MANE Select); 3 bases into the intron before coding-DNA position 1691, T replaced by C.
Molecular consequence: intron variant.
Genome position (GRCh38, 1-based): chr16:69,684,884, T>C. VCF-style: chr16-69684884-T-C. GRCh37 (hg19) VCF-style: chr16-69718787-T-C.
Other names: c.1691-3T>C (LRG_1332t1); c.1409-3T>C (NM_138714.4, NM_173214.3, NM_173215.3); c.1691-6T>C (NM_001113178.3); c.1637-3T>C (NM_006599.4); c.1019-6T>C (NM_001367709.1).
Identifiers: ClinVar variation 566351 (VCV000566351.10), dbSNP rs1567606090, ClinGen allele CA891843738.